The following is an entry in ClinVar:

NM_015215.4(CAMTA1):c.1742T>C (p.Leu581Pro)

Gene: CAMTA1 (calmodulin binding transcription activator 1; plus strand). Cytogenetic location: 1p36.23.
Variant type: single nucleotide variant.
Coding change: c.1742T>C on transcript NM_015215.4 (MANE Select); coding-DNA position 1742, T replaced by C.
Protein change: p.Leu581Pro; replaces leucine 581 with proline.
Molecular consequence: missense variant.
Genome position (GRCh38, 1-based): chr1:7,664,289, T>C. VCF-style: chr1-7664289-T-C. GRCh37 (hg19) VCF-style: chr1-7724349-T-C.
Other names: c.1652T>C, p.Leu551Pro (NM_001349608.2, NM_001349612.2); c.1742T>C, p.Leu581Pro (NM_001349609.2, NM_001349610.2); short protein forms L551P, L581P.
Identifiers: ClinVar variation 1700794 (VCV001700794.3), dbSNP rs2149161052, ClinGen allele CA338129748.

ClinVar aggregate classification (germline): Uncertain significance (1 of 4 stars; one submission).

Submission:

GeneDx
Classification: Uncertain significance. Last evaluated: 2024-07-26. Review status: criteria provided, single submitter. Criteria: GeneDx Variant Classification Process June 2021. Collection method: clinical testing. Allele origin: germline. Affected: yes.
Comment: Not observed at significant frequency in large population cohorts (gnomAD); In silico analysis supports that this missense variant has a deleterious effect on protein structure/function; Has not been previously published as pathogenic or benign to our knowledge